The following is an entry in ClinVar:

NM_017636.4(TRPM4):c.612+6A>T

Gene: TRPM4 (transient receptor potential cation channel subfamily M member 4; plus strand). Cytogenetic location: 19q13.33.
Variant type: single nucleotide variant.
Coding change: c.612+6A>T on transcript NM_017636.4 (MANE Select); 6 bases into the intron after coding-DNA position 612, A replaced by T.
Molecular consequence: intron variant.
Genome position (GRCh38, 1-based): chr19:49,168,429, A>T. VCF-style: chr19-49168429-A-T. GRCh37 (hg19) VCF-style: chr19-49671686-A-T.
Other names: c.612+6A>T (NM_001195227.2); c.-942+6A>T (NM_001321282.2); c.268-124A>T (NM_001321281.2); c.90+6A>T (NM_001321283.2); c.-237-124A>T (NM_001321285.2).
Identifiers: ClinVar variation 2172971 (VCV002172971.4), dbSNP rs779097169, ClinGen allele CA9568866.

ClinVar aggregate classification (germline): Uncertain significance (1 of 4 stars; one submission).

Conditions:
Progressive familial heart block type IB (PFHB1B). Identifiers: Orphanet 871, MedGen C1970298, MONDO:0011474, OMIM 604559.

Allele frequency attached by ClinVar (database versions not stated): gnomAD exomes below 0.00001; ExAC 0.00001; TOPMed 0.00001.
gnomAD v4.1: 2 of 1,613,838 alleles (0.00012%); highest among the groups gnomAD compares: Admixed American, 0.0033%; no homozygotes.

Submission:

Labcorp Genetics (formerly Invitae), Labcorp
Classification: Uncertain significance for Progressive familial heart block type IB. Last evaluated: 2025-11-03. Review status: criteria provided, single submitter. Criteria: Invitae Variant Classification Sherloc (09022015). Collection method: clinical testing. Allele origin: germline.
Comment: This sequence change falls in intron 5 of the TRPM4 gene. It does not directly change the encoded amino acid sequence of the TRPM4 protein. It affects a nucleotide within the consensus splice site. This variant is present in population databases (rs779097169, gnomAD 0.006%). This variant has not been reported in the literature in individuals affected with TRPM4-related conditions. ClinVar contains an entry for this variant (Variation ID: 2172971). Variants that disrupt the consensus splice site are a relatively common cause of aberrant splicing (PMID: 17576681, 9536098). Algorithms developed to predict the effect of sequence changes on RNA splicing suggest that this variant is not likely to affect RNA splicing. In summary, the available evidence is currently insufficient to determine the role of this variant in disease. Therefore, it has been classified as a Variant of Uncertain Significance.

Literature cited by the submitters: PubMed 17576681; PubMed 9536098.